The following is an entry in ClinVar:

NM_001286577.2(C2CD3):c.2861G>C (p.Gly954Ala)

Gene: C2CD3 (C2 domain containing 3 centriole elongation regulator; minus strand). Cytogenetic location: 11q13.4.
Variant type: single nucleotide variant.
Coding change: c.2861G>C on transcript NM_001286577.2 (MANE Select); coding-DNA position 2861, G replaced by C.
Protein change: p.Gly954Ala; replaces glycine 954 with alanine.
Molecular consequence: missense variant.
Genome position (GRCh38, 1-based): chr11:74,098,127, C>G on the plus strand (G>C on the coding strand, the complement: C2CD3 is on the minus strand). VCF-style: chr11-74098127-C-G. GRCh37 (hg19) VCF-style: chr11-73809172-C-G.
Other names: c.2861G>C, p.Gly954Ala (NM_015531.6); c.2861G>C (NM_015531.4); short protein forms G954A.
Identifiers: ClinVar variation 1376551 (VCV001376551.7), dbSNP rs926344902, ClinGen allele CA224514476.

ClinVar aggregate classification (germline): Uncertain significance. Review status: criteria provided, multiple submitters, no conflicts (2 of 4 stars). 2 submissions from 2 submitters: Uncertain significance (2). Last evaluated 2024-12-25.

Conditions:
Inborn genetic diseases. Identifiers: MedGen C0950123, MeSH D030342.

Allele frequency attached by ClinVar (database versions not stated): TOPMed below 0.00001; gnomAD 0.00001; gnomAD exomes 0.00002.
gnomAD v4.1: 35 of 1,613,874 alleles (0.0022%); highest among the groups gnomAD compares: Admixed American, 0.0083%; no homozygotes.

Submissions (2):

Ambry Genetics
Classification: Uncertain significance for Inborn genetic diseases. Last evaluated: 2024-12-25. Review status: criteria provided, single submitter. Criteria: Ambry Variant Classification Scheme 2023. Collection method: clinical testing. Allele origin: germline.

Labcorp Genetics (formerly Invitae), Labcorp
Classification: Uncertain significance. Last evaluated: 2021-11-02. Review status: criteria provided, single submitter. Criteria: Invitae Variant Classification Sherloc (09022015). Collection method: clinical testing. Allele origin: germline.
Comment: In summary, the available evidence is currently insufficient to determine the role of this variant in disease. Therefore, it has been classified as a Variant of Uncertain Significance. Algorithms developed to predict the effect of missense changes on protein structure and function are either unavailable or do not agree on the potential impact of this missense change (SIFT: "Tolerated"; PolyPhen-2: "Probably Damaging"; Align-GVGD: "Class C0"). This variant has not been reported in the literature in individuals affected with C2CD3-related conditions. This variant is present in population databases (no rsID available, gnomAD 0.009%). This sequence change replaces glycine, which is neutral and non-polar, with alanine, which is neutral and non-polar, at codon 954 of the C2CD3 protein (p.Gly954Ala).